The following is an entry in ClinVar:

NM_015122.3(FCHO1):c.1483C>T (p.Arg495Cys)

Gene: FCHO1 (FCH and mu domain containing endocytic adaptor 1; plus strand). Cytogenetic location: 19p13.11.
Variant type: single nucleotide variant.
Coding change: c.1483C>T on transcript NM_015122.3 (MANE Select); coding-DNA position 1483, C replaced by T.
Protein change: p.Arg495Cys; replaces arginine 495 with cysteine.
Molecular consequence: missense variant. On other transcripts: non-coding transcript variant (14), intron variant (11).
Genome position (GRCh38, 1-based): chr19:17,778,740, C>T. VCF-style: chr19-17778740-C-T. GRCh37 (hg19) VCF-style: chr19-17889549-C-T.
Other names: c.1483C>T, p.Arg495Cys (NM_001161357.2, NM_001161358.2, NM_001384370.1 and 13 more transcripts); c.1333C>T, p.Arg445Cys (NM_001161359.2, NM_001384384.1, NM_001384385.1 and 1 more transcripts); c.1444C>T, p.Arg482Cys (NM_001384388.1, NM_001384389.1, NM_001384405.1); c.1408C>T, p.Arg470Cys (NM_001384390.1); c.1366C>T, p.Arg456Cys (NM_001384392.1, NM_001384393.1, NM_001384394.1 and 1 more transcripts); c.1351+512C>T (NM_001384396.1, NM_001384404.1, NM_001384398.1 and 5 more transcripts); c.1201+512C>T (NM_001384406.1); c.1057+2469C>T (NM_001384407.1); and 1 more; short protein forms R445C, R456C, R470C, R482C, R495C.
Identifiers: ClinVar variation 1562487 (VCV001562487.11), dbSNP rs200218825, ClinGen allele CA9300530.

ClinVar aggregate classification (germline): Conflicting classifications of pathogenicity. Review status: criteria provided, conflicting classifications (1 of 4 stars). 3 submissions from 3 submitters: Uncertain significance (1); Benign (1); Likely benign (1). Last evaluated 2026-05-04.

Allele frequency attached by ClinVar (database versions not stated): gnomAD exomes 0.00034; 1000 Genomes Project 30x 0.00094; gnomAD 0.00095 and 0.00106; 1000 Genomes Project 0.00100; ExAC 0.00116; ESP Exome Variant Server 0.00153.
gnomAD v4.1: 333 of 1,540,048 alleles (0.022%); highest among the groups gnomAD compares: African/African-American, 0.37%; 1 homozygote.

Submissions (3):

Women's Health and Genetics/Laboratory Corporation of America, LabCorp
Classification: Likely benign. Last evaluated: 2026-05-04. Review status: criteria provided, single submitter. Criteria: LabCorp Variant Classification Summary - May 2015. Collection method: clinical testing. Allele origin: germline.
Comment: Variant summary: FCHO1 c.1483C>T (p.Arg495Cys) results in a non-conservative amino acid change in the encoded protein sequence. Algorithms developed to predict the effect of missense changes on protein structure and function are either unavailable or do not agree on the potential impact of this missense change. The variant allele was found at a frequency of 0.00034 in 140688 control chromosomes, predominantly at a frequency of 0.0047 within the African or African-American subpopulation in the gnomAD database. The observed variant frequency within African or African-American control individuals in the gnomAD database exceeds the estimated maximal expected allele frequency for disease-causing variants in FCHO1. To our knowledge, no occurrence of c.1483C>T in individuals affected with FCHO1-related conditions and no experimental evidence demonstrating its impact on protein function have been reported. ClinVar contains an entry for this variant (Variation ID: 1562487). Based on the evidence outlined above, the variant was classified as likely benign.

Labcorp Genetics (formerly Invitae), Labcorp
Classification: Benign. Last evaluated: 2026-01-22. Review status: criteria provided, single submitter. Criteria: Invitae Variant Classification Sherloc (09022015). Collection method: clinical testing. Allele origin: germline.

Blueprint Genetics
Classification: Uncertain significance. Last evaluated: 2024-07-08. Review status: criteria provided, single submitter. Criteria: ACMG Guidelines, 2015. Collection method: clinical testing. Allele origin: germline.